The following is an entry in ClinVar:

ClinVar aggregate classification (germline): Pathogenic/Likely pathogenic. Review status: criteria provided, multiple submitters, no conflicts (2 of 4 stars). 4 submissions from 4 submitters: Pathogenic (2); Likely pathogenic (2). Last evaluated 2025-07-15.

Conditions:
Pontocerebellar hypoplasia type 1A (PCH1A). Also called: PONTOCEREBELLAR HYPOPLASIA WITH ANTERIOR HORN CELL DISEASE; PONTOCEREBELLAR HYPOPLASIA WITH INFANTILE SPINAL MUSCULAR ATROPHY. Identifiers: Orphanet 2254, Orphanet 88616, MedGen C1843504, MONDO:0011866, OMIM 607596.
Inborn genetic diseases. Identifiers: MedGen C0950123, MeSH D030342.
Neuronopathy, distal hereditary motor, autosomal recessive 10 (HMNR10). Also called: NEUROPATHY, DISTAL HEREDITARY MOTOR, AUTOSOMAL RECESSIVE 10; VRK1-RELATED MOTOR NEURON DISEASE. Identifiers: MedGen C5882703, MONDO:0957876, OMIM 620542.

Allele frequency attached by ClinVar (database versions not stated): gnomAD exomes below 0.00001; ExAC 0.00001; gnomAD 0.00001; TOPMed 0.00001.
gnomAD v4.1: 20 of 1,613,248 alleles (0.0012%); highest among the groups gnomAD compares: East Asian, 0.0045%; no homozygotes.

Submissions (4):

Natera, Inc.
Classification: Likely pathogenic for Pontocerebellar hypoplasia, type 1a. Last evaluated: 2025-07-15. Review status: criteria provided, single submitter. Criteria: Natera Variant Classification Schema (03/2026). Collection method: clinical testing. Allele origin: germline.
Comment: The c.265C>T variant in VRK1 is a nonsense variant predicted to introduce a stop codon at amino acid 89. This variant is expected to result in nonsense mediated decay, truncation, or a dysfunctional protein product. This variant is rare in the general population with a frequency below the threshold expected for the associated phenotype(s). Given the available evidence, this variant is classified as Likely Pathogenic.

Labcorp Genetics (formerly Invitae), Labcorp
Classification: Pathogenic for Pontocerebellar hypoplasia type 1A. Last evaluated: 2024-12-12. Review status: criteria provided, single submitter. Criteria: Invitae Variant Classification Sherloc (09022015). Collection method: clinical testing. Allele origin: germline.
Comment: This sequence change creates a premature translational stop signal (p.Arg89*) in the VRK1 gene. It is expected to result in an absent or disrupted protein product. Loss-of-function variants in VRK1 are known to be pathogenic (PMID: 19646678, 24126608, 27281532). This variant is present in population databases (rs772263867, gnomAD 0.0009%). This variant has not been reported in the literature in individuals affected with VRK1-related conditions. ClinVar contains an entry for this variant (Variation ID: 533537). Algorithms developed to predict the effect of sequence changes on RNA splicing suggest that this variant may disrupt the consensus splice site. For these reasons, this variant has been classified as Pathogenic.

Ambry Genetics
Classification: Pathogenic for Inborn genetic diseases. Last evaluated: 2020-12-11. Review status: criteria provided, single submitter. Criteria: Ambry Variant Classification Scheme 2023. Collection method: clinical testing. Allele origin: germline.
Comment: The p.R89* pathogenic mutation (also known as c.265C>T), located in coding exon 3 of the VRK1 gene, results from a C to T substitution at nucleotide position 265. This changes the amino acid from an arginine to a stop codon within coding exon 3. This alteration is expected to result in loss of function by premature protein truncation or nonsense-mediated mRNA decay. As such, this alteration is interpreted as a disease-causing mutation.

Juno Genomics, Hangzhou Juno Genomics, Inc
Classification: Likely pathogenic for Neuronopathy, distal hereditary motor, autosomal recessive 10; Pontocerebellar hypoplasia type 1A. Review status: criteria provided, single submitter. Criteria: ACMG Guidelines, 2015. Collection method: clinical testing. Allele origin: germline.
Comment: Null variant in a gene where loss of function (LOF) is a known mechanism of disease.;Absent from controls (or at extremely low frequency if recessive) in Genome Aggregation Database.

Literature cited by the submitters: PubMed 19646678 (cited by Labcorp Genetics (formerly Invitae), Labcorp); PubMed 24126608 (cited by Labcorp Genetics (formerly Invitae), Labcorp); PubMed 27281532 (cited by Labcorp Genetics (formerly Invitae), Labcorp).

NM_003384.3(VRK1):c.265C>T (p.Arg89Ter)

Gene: VRK1 (VRK serine/threonine kinase 1; plus strand). Cytogenetic location: 14q32.2.
Variant type: single nucleotide variant.
Coding change: c.265C>T on transcript NM_003384.3 (MANE Select); coding-DNA position 265, C replaced by T.
Protein change: p.Arg89Ter; replaces arginine 89 with a stop codon.
Molecular consequence: nonsense.
Genome position (GRCh38, 1-based): chr14:96,846,143, C>T. VCF-style: chr14-96846143-C-T. GRCh37 (hg19) VCF-style: chr14-97312480-C-T.
Other names: short protein forms R89*.
Identifiers: ClinVar variation 533537 (VCV000533537.14), dbSNP rs772263867, ClinGen allele CA7338902.
Genomic context (GRCh38, chr14:96,846,143, plus strand): 5'-TTATATTTTAAGGAACCCAGTGACAATGGACCTCTTTTTACTGAATTAAAGTTCTACCAA[C>T]GAGCTGCAAAACCAGAGCAAAGTAAGAAATACAGTACACATACGTTTACACTTTTAAAAT-3'